The following is an entry in ClinVar:

ClinVar aggregate classification (germline): Uncertain significance (1 of 4 stars; one submission).

Conditions:
Developmental and epileptic encephalopathy, 31A. Also called: Epileptic encephalopathy, early infantile, 31; Developmental and epileptic encephalopathy, 31. Identifiers: Orphanet 2382, MedGen C4225357, MONDO:0014598, OMIM 616346.

gnomAD v4.1: 1 of 1,596,328 alleles (0.000063%); highest among the groups gnomAD compares: South Asian, 0.0011%; no homozygotes.

Submission:

Labcorp Genetics (formerly Invitae), Labcorp
Classification: Uncertain significance for Developmental and epileptic encephalopathy, 31A. Last evaluated: 2022-08-10. Review status: criteria provided, single submitter. Criteria: Invitae Variant Classification Sherloc (09022015). Collection method: clinical testing. Allele origin: germline.
Comment: Advanced modeling of protein sequence and biophysical properties (such as structural, functional, and spatial information, amino acid conservation, physicochemical variation, residue mobility, and thermodynamic stability) performed at Invitae indicates that this missense variant is not expected to disrupt DNM1 protein function. In summary, the available evidence is currently insufficient to determine the role of this variant in disease. Therefore, it has been classified as a Variant of Uncertain Significance. ClinVar contains an entry for this variant (Variation ID: 1059791). This variant has not been reported in the literature in individuals affected with DNM1-related conditions. This variant is present in population databases (rs187315526, gnomAD 0.003%). This sequence change replaces proline, which is neutral and non-polar, with leucine, which is neutral and non-polar, at codon 861 of the DNM1 protein (p.Pro861Leu).

NM_004408.4(DNM1):c.2582C>T (p.Pro861Leu)

Gene: DNM1 (dynamin 1; plus strand). Cytogenetic location: 9q34.11.
Variant type: single nucleotide variant.
Coding change: c.2582C>T on transcript NM_004408.4 (MANE Select); coding-DNA position 2582, C replaced by T.
Protein change: p.Pro861Leu; replaces proline 861 with leucine.
Molecular consequence: missense variant. On other transcripts: 3 prime UTR variant (4).
Genome position (GRCh38, 1-based): chr9:128,254,701, C>T. VCF-style: chr9-128254701-C-T. GRCh37 (hg19) VCF-style: chr9-131016980-C-T.
Other names: c.*63C>T (NM_001005336.3, NM_001288737.2); c.*708C>T (NM_001288738.2); c.2582C>T, p.Pro861Leu (NM_001288739.2); c.*623C>T (NM_001374269.1); short protein forms P861L.
Identifiers: ClinVar variation 1059791 (VCV001059791.9), dbSNP rs187315526, ClinGen allele CA5258500.
Genomic context (GRCh38, chr9:128,254,701, plus strand): 5'-CTCCAACTGCCAGCCGATCGGGTCAGGCAAGTCCATCCCGTCCTGAGAGCCCCAGGCCCC[C>T]CTTCGACCTCTAAACAGATCCCTCCTCTTCTCGGAGACCTCCCTTTCCAAGCCTGCCTGG-3'
Protein context (NP_004399.2, residues 851-864): SPSRPESPRP[Pro861Leu]FDL